The following is an entry in ClinVar:

NM_000089.4(COL1A2):c.1035_1035+2del

Gene: COL1A2 (collagen type I alpha 2 chain; plus strand). Cytogenetic location: 7q21.3.
Variant type: Microsatellite.
Coding change: c.1035_1035+2del on transcript NM_000089.4 (MANE Select); coding-DNA position 1035 through the canonical splice donor site of the intron after coding-DNA position 1035, 3 bases deleted (TGT; older notation c.1035_1035+2delTGT).
Molecular consequence: splice donor variant.
Genome position (GRCh38, 1-based): chr7:94,409,821-94,409,823, TGT deleted; deleting any 3 consecutive bases within chr7:94,409,817-94,409,823 gives the same sequence; the c. name uses the placement nearest the transcript's 3' end. VCF-style (leftmost placement, unchanged base first): chr7-94409816-CTTG-C. GRCh37 (hg19) VCF-style: chr7-94039128-CTTG-C.
Other names: V255del; c.1035_1035+2del (NM_000089.3); c.1035_1035+2delTGT (NM_000089.4).
Identifiers: ClinVar variation 17259 (VCV000017259.7), dbSNP rs869254878, ClinGen allele CA162920418.

ClinVar aggregate classification (germline): Pathogenic/Likely pathogenic. Review status: criteria provided, multiple submitters, no conflicts (2 of 4 stars). 7 submissions from 7 submitters: Pathogenic (4); Likely pathogenic (2). 1 of the submissions does not count toward it. Last evaluated 2026-03-24.

Conditions:
Osteogenesis imperfecta type III (OI3). Also called: Progressively Deforming Osteogenesis Imperfecta; Osteogenesis imperfecta type 3; OI type 3; Osteogenesis imperfecta, progressively deforming with normal sclerae; OI type III. Identifiers: Orphanet 216812, Orphanet 666, MedGen C0268362, MONDO:0009804, OMIM 259420.
Osteogenesis imperfecta with normal sclerae, dominant form (OI4). Also called: Common Variable Osteogenesis Imperfecta with Normal Sclerae; Osteogenesis imperfecta type 4; OSTEOGENESIS IMPERFECTA, TYPE IV, WITH DENTINOGENESIS IMPERFECTA; OSTEOGENESIS IMPERFECTA WITH NORMAL SCLERAE; Osteogenesis Imperfecta Type IV. Identifiers: Orphanet 216820, Orphanet 666, MedGen C0268363, MONDO:0008148, OMIM 166220.

Submissions (7):

Dasa
Classification: Likely pathogenic. Last evaluated: 2026-03-24. Review status: criteria provided, single submitter. Criteria: DASA Assertion Criteria. Collection method: clinical testing. Allele origin: germline.
Comment: NM_000089.4(COL1A2):c.1035_1035+2del affects a canonical splice site and is predicted to disrupt normal RNA splicing. Loss of function is an established disease mechanism for COL1A2-associated disorders. This variant has been reported in individuals with COL1A2-related disorders (PMID: 8444468). Also, this variant is rare in population databases. Based on the currently available evidence, this variant is classified as likely pathogenic.

Clinical Biomedical Laboratory, Shriners Hospital For Children - Canada
Classification: Pathogenic for Osteogenesis imperfecta with normal sclerae, dominant form. Last evaluated: 2025-07-16. Review status: criteria provided, single submitter. Criteria: ACMG Guidelines, 2015. Collection method: clinical testing. Allele origin: germline. Affected: yes.
Comment: This variant is predicted to substitute a leucine residue by a valine residue in the alpha 2 chain of collagen type 1. This variant is absent from the Genome Aggregation Database (v2.1.1).

GeneDx
Classification: Likely pathogenic. Last evaluated: 2025-05-28. Review status: criteria provided, single submitter. Criteria: GeneDx Variant Classification Process June 2021. Collection method: clinical testing. Allele origin: germline. Affected: yes.
Comment: Not observed at significant frequency in large population cohorts (gnomAD); Functional studies demonstrate this variant leads to an in-frame deletion of 1 amino acid in the triple helical domain (PMID: 8444468); Also known as Val345del, Val255del; This variant is associated with the following publications: (PMID: 36755623, 27509835, 22795120, 8444468, 25086671, 21239989, 29150909)

Laboratory of Genetic Skeletal Anomaly, Seoul National University Children's Hospital
Classification: Pathogenic for Osteogenesis imperfecta type III. Last evaluated: 2025-03-01. Review status: criteria provided, single submitter. Criteria: ACMG Guidelines, 2015. Collection method: research. Allele origin: germline. Affected: yes.
Comment: This variant is a novel variant not previously reported in the literature or population databases. It was classified based on available in silico predictions and absence from gnomAD.

Laboratory of Genetics, Children's Clinical University Hospital Latvia
Classification: Pathogenic. Last evaluated: 2025-02-16. Review status: criteria provided, single submitter. Criteria: ACMG Guidelines, 2015. Collection method: clinical testing. Allele origin: germline. Affected: yes.

Clinical Genetics Service, Universitary Hospital 12 de Octubre
Classification: Pathogenic for Osteogenesis imperfecta type III. Review status: criteria provided, single submitter. Criteria: ACMG Guidelines, 2015. Collection method: clinical testing. Allele origin: de novo. Affected: yes.

OMIM
Classification: Pathogenic for OSTEOGENESIS IMPERFECTA, TYPE III. Last evaluated: 1993-02-01. Review status: no assertion criteria provided. Collection method: literature only. Allele origin: germline. Not counted in ClinVar's aggregate classification.

Literature cited by the submitters: PubMed 8444468 (cited by Dasa and OMIM).